The following is an entry in ClinVar:

NM_005050.4(ABCD4):c.*5C>T

Gene: ABCD4 (ATP binding cassette subfamily D member 4; minus strand). Cytogenetic location: 14q24.3.
Variant type: single nucleotide variant.
Coding change: c.*5C>T on transcript NM_005050.4 (MANE Select); 5 bases downstream of the stop codon, C replaced by T.
Molecular consequence: 3 prime UTR variant. On other transcripts: non-coding transcript variant (10).
Genome position (GRCh38, 1-based): chr14:74,286,456, G>A on the plus strand (C>T on the coding strand, the complement: ABCD4 is on the minus strand). VCF-style: chr14-74286456-G-A. GRCh37 (hg19) VCF-style: chr14-74753159-G-A.
Other names: c.*5C>T (NM_001353591.2, NM_001353593.2, NM_001353595.2 and 8 more transcripts); c.*218C>T (NM_001353592.2, NM_001353594.2, NM_001353599.2 and 7 more transcripts); c.*334C>T (NM_001353610.2).
Identifiers: ClinVar variation 388278 (VCV000388278.1), dbSNP rs1057523050, ClinGen allele CA16607675.

ClinVar aggregate classification (germline): Likely benign (1 of 4 stars; one submission).

Allele frequency attached by ClinVar (database versions not stated): gnomAD exomes 0.00001.

Submission:

GeneDx
Classification: Likely benign. Last evaluated: 2016-08-11. Review status: criteria provided, single submitter. Criteria: GeneDx Variant Classification (06012015). Collection method: clinical testing. Allele origin: germline. Affected: yes.
Comment: This variant is considered likely benign or benign based on one or more of the following criteria: it is a conservative change, it occurs at a poorly conserved position in the protein, it is predicted to be benign by multiple in silico algorithms, and/or has population frequency not consistent with disease.